The following is an entry in ClinVar:

NM_004959.5(NR5A1):c.247G>A (p.Val83Met)

Gene: NR5A1 (nuclear receptor subfamily 5 group A member 1; minus strand). Cytogenetic location: 9q33.3.
Variant type: single nucleotide variant.
Coding change: c.247G>A on transcript NM_004959.5 (MANE Select); coding-DNA position 247, G replaced by A.
Protein change: p.Val83Met; replaces valine 83 with methionine.
Molecular consequence: missense variant.
Genome position (GRCh38, 1-based): chr9:124,500,713, C>T on the plus strand (G>A on the coding strand, the complement: NR5A1 is on the minus strand). VCF-style: chr9-124500713-C-T. GRCh37 (hg19) VCF-style: chr9-127262992-C-T.
Other names: short protein forms V83M.
Identifiers: ClinVar variation 3596432 (VCV003596432.3).

ClinVar aggregate classification (germline): Pathogenic/Likely pathogenic. Review status: criteria provided, multiple submitters, no conflicts (2 of 4 stars). 2 submissions from 2 submitters: Pathogenic (1); Likely pathogenic (1). Last evaluated 2024-12-08.

Conditions:
Oligosynaptic infertility (SPGF1). Also called: SPERMATOGENIC FAILURE 1; OLIGOCHIASMATIC INFERTILITY. Identifiers: MedGen C0403810, MONDO:0009776, OMIM 258150.
46 XY differences of sex development. Also called: 46, XY disorder of sex development (DSD); 46,XY disorder of sex development. Identifiers: Orphanet 98085, MedGen C2751824, MONDO:0020040.
46,XY sex reversal 3. Also called: 46,XY SEX REVERSAL, PARTIAL OR COMPLETE, NR5A1-RELATED; 46,XY GONADAL DYSGENESIS, PARTIAL OR COMPLETE, WITH OR WITHOUT ADRENAL FAILURE; DISORDER OF SEX DEVELOPMENT, 46,XY, NR5A1-RELATED; NR5A1-related 46,XY complete gonadal dysgenesis; SEX REVERSAL, XY, WITH OR WITHOUT ADRENAL FAILURE. Identifiers: MedGen C3489793, MONDO:0013066, OMIM 612965.
Premature ovarian failure 7 (POF7). Identifiers: MedGen C2751825, MONDO:0013065, OMIM 612964.
46,XX sex reversal 4 (SRXX4). Also called: 46, XX sex reversal 4; 46,XX SEX REVERSAL, SRY-NEGATIVE. Identifiers: MedGen C4479552, MONDO:0060489, OMIM 617480.
Spermatogenic failure 8 (SPGF8). Identifiers: MedGen C3151406, MONDO:0013504, OMIM 613957.

gnomAD v4.1: 2 of 1,612,570 alleles (0.00012%); highest among the groups gnomAD compares: Non-Finnish European, 0.000085%; no homozygotes.

Submissions (2):

Labcorp Genetics (formerly Invitae), Labcorp
Classification: Pathogenic for 46 XY differences of sex development; Oligosynaptic infertility. Last evaluated: 2024-12-08. Review status: criteria provided, single submitter. Criteria: Invitae Variant Classification Sherloc (09022015). Collection method: clinical testing. Allele origin: germline.
Comment: This sequence change replaces valine, which is neutral and non-polar, with methionine, which is neutral and non-polar, at codon 83 of the NR5A1 protein (p.Val83Met). This variant is not present in population databases (gnomAD no frequency). This missense change has been observed in individual(s) with clinical features of 46,XY sex reversal (PMID: 30425642, 38128121). In at least one individual the variant was observed to be de novo. Invitae Evidence Modeling of protein sequence and biophysical properties (such as structural, functional, and spatial information, amino acid conservation, physicochemical variation, residue mobility, and thermodynamic stability) indicates that this missense variant is expected to disrupt NR5A1 protein function with a positive predictive value of 95%. For these reasons, this variant has been classified as Pathogenic.

Fulgent Genetics
Classification: Likely pathogenic for Premature ovarian failure 7; 46,XY sex reversal 3; Spermatogenic failure 8; 46,XX sex reversal 4. Last evaluated: 2024-03-29. Review status: criteria provided, single submitter. Criteria: ACMG Guidelines, 2015. Collection method: clinical testing. Allele origin: germline.

Literature cited by the submitters: PubMed 30425642 (cited by Labcorp Genetics (formerly Invitae), Labcorp); PubMed 38128121 (cited by Labcorp Genetics (formerly Invitae), Labcorp).